The following is an entry in ClinVar:

NM_014244.5(ADAMTS2):c.1883G>A (p.Arg628His)

Gene: ADAMTS2 (ADAM metallopeptidase with thrombospondin type 1 motif 2; minus strand). Cytogenetic location: 5q35.3.
Variant type: single nucleotide variant.
Coding change: c.1883G>A on transcript NM_014244.5 (MANE Select); coding-DNA position 1883, G replaced by A.
Protein change: p.Arg628His; replaces arginine 628 with histidine.
Molecular consequence: missense variant.
Genome position (GRCh38, 1-based): chr5:179,137,837, C>T on the plus strand (G>A on the coding strand, the complement: ADAMTS2 is on the minus strand). VCF-style: chr5-179137837-C-T. GRCh37 (hg19) VCF-style: chr5-178564838-C-T.
Other names: p.Arg628His; short protein forms R628H.
Identifiers: ClinVar variation 353118 (VCV000353118.60), dbSNP rs140621260, ClinGen allele CA3595756.

ClinVar aggregate classification (germline): Conflicting classifications of pathogenicity. Review status: criteria provided, conflicting classifications (1 of 4 stars). 13 submissions from 13 submitters: Uncertain significance (6); Likely benign (6). 1 of the submissions does not count toward it. Last evaluated 2026-03-20.

Conditions:
ADAMTS2-related disorder. Also called: ADAMTS2-related condition.
Inborn genetic diseases. Identifiers: MedGen C0950123, MeSH D030342.
Ehlers-Danlos syndrome, dermatosparaxis type. Also called: EDS VIIC; Dermatosparaxis; Ehlers-Danlos syndrome, type VII, autosomal recessive. Identifiers: Orphanet 1901, MedGen C2700425, MONDO:0009161, OMIM 225410.
Ehlers-Danlos syndrome (EDS). Identifiers: Orphanet 98249, MedGen C0013720, MONDO:0020066.

Allele frequency attached by ClinVar (database versions not stated): 1000 Genomes Project 30x 0.00031; 1000 Genomes Project 0.00040; gnomAD exomes 0.00056; TOPMed 0.00062; gnomAD 0.00063 and 0.00066; ESP Exome Variant Server 0.00116; ExAC 0.00122.
gnomAD v4.1: 2,253 of 1,572,592 alleles (0.14%); highest among the groups gnomAD compares: Non-Finnish European, 0.18%; 5 homozygotes.

Submissions (13):

PreventionGenetics, part of Exact Sciences
Classification: Likely benign for ADAMTS2-related condition. Last evaluated: 2026-03-20. Review status: criteria provided, single submitter. Criteria: ACMG Guidelines, 2015. Collection method: clinical testing. Allele origin: germline.
Comment: This variant is classified as likely benign based on ACMG/AMP sequence variant interpretation guidelines (Richards et al. 2015 PMID: 25741868, with internal and published modifications).

Mayo Clinic Laboratories, Mayo Clinic
Classification: Likely benign. Last evaluated: 2025-09-11. Review status: criteria provided, single submitter. Criteria: ACMG Guidelines, 2015. Collection method: clinical testing. Allele origin: germline. Observed: 12 variant alleles.
Comment: BS1, BP1, BP4

Women's Health and Genetics/Laboratory Corporation of America, LabCorp
Classification: Likely benign. Last evaluated: 2025-07-23. Review status: criteria provided, single submitter. Criteria: LabCorp Variant Classification Summary - May 2015. Collection method: clinical testing. Allele origin: germline.
Comment: Variant summary: ADAMTS2 c.1883G>A (p.Arg628His) results in a non-conservative amino acid change in the encoded protein sequence. Algorithms developed to predict the effect of missense changes on protein structure and function are either unavailable or do not agree on the potential impact of this missense change. The variant allele was found at a frequency of 0.0014 in 1572592 control chromosomes, predominantly at a frequency of 0.0018 within the Non-Finnish European subpopulation in the gnomAD database, including 4 homozygotes. The observed variant frequency within Non-Finnish European control individuals in the gnomAD database is approximately 1.61 fold of the estimated maximal expected allele frequency for a pathogenic variant in ADAMTS2 causing Ehlers-Danlos syndrome, dermatosparaxis type phenotype (0.0011). To our knowledge, no occurrence of c.1883G>A in individuals affected with Ehlers-Danlos syndrome, dermatosparaxis type and no experimental evidence demonstrating its impact on protein function have been reported. ClinVar contains an entry for this variant (Variation ID: 353118). Based on the evidence outlined above, the variant was classified as likely benign.

Labcorp Genetics (formerly Invitae), Labcorp
Classification: Uncertain significance for Ehlers-Danlos syndrome, dermatosparaxis type. Last evaluated: 2025-01-29. Review status: criteria provided, single submitter. Criteria: Invitae Variant Classification Sherloc (09022015). Collection method: clinical testing. Allele origin: germline.
Comment: This sequence change replaces arginine, which is basic and polar, with histidine, which is basic and polar, at codon 628 of the ADAMTS2 protein (p.Arg628His). This variant is present in population databases (rs140621260, gnomAD 0.1%), including at least one homozygous and/or hemizygous individual. This variant has not been reported in the literature in individuals affected with ADAMTS2-related conditions. ClinVar contains an entry for this variant (Variation ID: 353118). An algorithm developed to predict the effect of missense changes on protein structure and function (PolyPhen-2) suggests that this variant¬†is likely to be tolerated. In summary, the available evidence is currently insufficient to determine the role of this variant in disease. Therefore, it has been classified as a Variant of Uncertain Significance.

Ambry Genetics
Classification: Uncertain significance for Inborn genetic diseases. Last evaluated: 2025-01-18. Review status: criteria provided, single submitter. Criteria: Ambry Variant Classification Scheme 2023. Collection method: clinical testing. Allele origin: germline.

Blueprint Genetics
Classification: Likely benign. Last evaluated: 2024-10-14. Review status: criteria provided, single submitter. Criteria: ACMG Guidelines, 2015. Collection method: clinical testing. Allele origin: germline.

Fulgent Genetics
Classification: Uncertain significance for Ehlers-Danlos syndrome, dermatosparaxis type. Last evaluated: 2024-03-04. Review status: criteria provided, single submitter. Criteria: ACMG Guidelines, 2015. Collection method: clinical testing. Allele origin: germline.

Genome Diagnostics Laboratory, The Hospital for Sick Children
Classification: Likely benign for Ehlers-Danlos syndrome. Last evaluated: 2022-05-12. Review status: criteria provided, single submitter. Criteria: ACMG Guidelines, 2015. Collection method: clinical testing. Allele origin: germline.

CeGaT Center for Human Genetics Tuebingen
Classification: Uncertain significance. Last evaluated: 2021-12-01. Review status: criteria provided, single submitter. Criteria: CeGaT Center For Human Genetics Tuebingen Variant Classification Criteria Version 2. Collection method: clinical testing. Allele origin: germline. Affected: yes. Observed: 1 variant allele.

GeneDx
Classification: Likely benign. Last evaluated: 2021-04-21. Review status: criteria provided, single submitter. Criteria: GeneDx Variant Classification Process June 2021. Collection method: clinical testing. Allele origin: germline. Affected: yes.

Revvity Omics, Revvity
Classification: Uncertain significance for Ehlers-Danlos syndrome, dermatosparaxis type. Last evaluated: 2021-03-24. Review status: criteria provided, single submitter. Criteria: ACMG Guidelines, 2015. Collection method: clinical testing. Allele origin: germline.

Illumina Laboratory Services, Illumina
Classification: Uncertain significance for Ehlers-Danlos syndrome, dermatosparaxis type. Last evaluated: 2018-01-12. Review status: criteria provided, single submitter. Criteria: ICSL Variant Classification Criteria 13 December 2019. Collection method: clinical testing. Allele origin: germline.

Natera, Inc.
Classification: Benign for Ehlers-Danlos syndrome type VIIC. Last evaluated: 2020-05-01. Review status: no assertion criteria provided. Collection method: clinical testing. Allele origin: germline. Not counted in ClinVar's aggregate classification.